The following is an entry in ClinVar:

NM_006431.3(CCT2):c.376A>G (p.Ile126Val)

Gene: CCT2 (chaperonin containing TCP1 subunit 2; plus strand). Cytogenetic location: 12q15.
Variant type: single nucleotide variant.
Coding change: c.376A>G on transcript NM_006431.3 (MANE Select); coding-DNA position 376, A replaced by G.
Protein change: p.Ile126Val; replaces isoleucine 126 with valine.
Molecular consequence: missense variant.
Genome position (GRCh38, 1-based): chr12:69,588,192, A>G. VCF-style: chr12-69588192-A-G. GRCh37 (hg19) VCF-style: chr12-69981972-A-G.
Other names: c.235A>G, p.Ile79Val (NM_001198842.2); short protein forms I126V, I79V.
Identifiers: ClinVar variation 2118814 (VCV002118814.4), dbSNP rs2498991622, ClinGen allele CA385724965.

ClinVar aggregate classification (germline): Uncertain significance (1 of 4 stars; one submission).

Allele frequency attached by ClinVar (database versions not stated): gnomAD exomes below 0.00001.
gnomAD v4.1: 2 of 1,614,166 alleles (0.00012%); highest among the groups gnomAD compares: Non-Finnish European, 0.00017%; no homozygotes.

Submission:

Labcorp Genetics (formerly Invitae), Labcorp
Classification: Uncertain significance. Last evaluated: 2024-10-29. Review status: criteria provided, single submitter. Criteria: Invitae Variant Classification Sherloc (09022015). Collection method: clinical testing. Allele origin: germline.
Comment: This sequence change replaces isoleucine, which is neutral and non-polar, with valine, which is neutral and non-polar, at codon 126 of the CCT2 protein (p.Ile126Val). This variant is not present in population databases (gnomAD no frequency). This variant has not been reported in the literature in individuals affected with CCT2-related conditions. ClinVar contains an entry for this variant (Variation ID: 2118814). An algorithm developed to predict the effect of missense changes on protein structure and function (PolyPhen-2) suggests that this variant is likely to be tolerated. In summary, the available evidence is currently insufficient to determine the role of this variant in disease. Therefore, it has been classified as a Variant of Uncertain Significance.